The following is an entry in ClinVar:

ClinVar aggregate classification (germline): Uncertain significance. Review status: criteria provided, multiple submitters, no conflicts (2 of 4 stars). 2 submissions from 2 submitters: Uncertain significance (2). Last evaluated 2026-05-11.

Conditions:
Hereditary cancer-predisposing syndrome. Also called: Tumor predisposition; Hereditary neoplastic syndrome; Neoplastic Syndromes, Hereditary; Hereditary Cancer Syndrome. Identifiers: Orphanet 140162, MedGen C0027672, MeSH D009386, MONDO:0015356.
Rhabdoid tumor predisposition syndrome 2 (RTPS2). Identifiers: Orphanet 231108, Orphanet 69077, MedGen C2750074, MONDO:0013224, OMIM 613325.

Submissions (2):

Ambry Genetics
Classification: Uncertain significance for Hereditary cancer-predisposing syndrome. Last evaluated: 2026-05-11. Review status: criteria provided, single submitter. Criteria: Ambry Variant Classification Scheme 2023. Collection method: clinical testing. Allele origin: germline.
Comment: The c.3951+5G>A intronic variant results from a G to A substitution 5 nucleotides after coding exon 27 in the SMARCA4 gene. This nucleotide position is highly conserved in available vertebrate species. In silico splice site analysis predicts that this alteration will not have any significant effect on splicing. Based on the available evidence, the clinical significance of this variant remains unclear.

Labcorp Genetics (formerly Invitae), Labcorp
Classification: Uncertain significance for Rhabdoid tumor predisposition syndrome 2. Last evaluated: 2023-11-30. Review status: criteria provided, single submitter. Criteria: Invitae Variant Classification Sherloc (09022015). Collection method: clinical testing. Allele origin: germline.
Comment: This sequence change falls in intron 28 of the SMARCA4 gene. It does not directly change the encoded amino acid sequence of the SMARCA4 protein. It affects a nucleotide within the consensus splice site. This variant is not present in population databases (gnomAD no frequency). This variant has not been reported in the literature in individuals affected with SMARCA4-related conditions. Variants that disrupt the consensus splice site are a relatively common cause of aberrant splicing (PMID: 17576681, 9536098). Algorithms developed to predict the effect of sequence changes on RNA splicing suggest that this variant is not likely to affect RNA splicing. In summary, the available evidence is currently insufficient to determine the role of this variant in disease. Therefore, it has been classified as a Variant of Uncertain Significance.

Literature cited by the submitters: PubMed 17576681 (cited by Labcorp Genetics (formerly Invitae), Labcorp); PubMed 9536098 (cited by Labcorp Genetics (formerly Invitae), Labcorp).

NM_003072.5(SMARCA4):c.3951+5G>A

Gene: SMARCA4 (SWI/SNF related BAF chromatin remodeling complex subunit ATPase 4; plus strand). Cytogenetic location: 19p13.2.
Variant type: single nucleotide variant.
Coding change: c.3951+5G>A on transcript NM_003072.5 (MANE Select); 5 bases into the intron after coding-DNA position 3951, G replaced by A.
Molecular consequence: intron variant.
Genome position (GRCh38, 1-based): chr19:11,034,205, G>A. VCF-style: chr19-11034205-G-A. GRCh37 (hg19) VCF-style: chr19-11144881-G-A.
Other names: c.3951+5G>A (NM_001128844.3, NM_001128849.3, NM_001387283.1 and 1 more transcripts); c.3852+5G>A (NM_001128847.4, NM_001411150.1, NM_001374457.1 and 3 more transcripts).
Identifiers: ClinVar variation 2745065 (VCV002745065.4), dbSNP rs2146680035, ClinGen allele CA2697556276.